The following is an entry in ClinVar:

NM_000038.6(APC):c.2958T>G (p.Tyr986Ter)

Gene: APC (APC regulator of Wnt signaling pathway; plus strand). Cytogenetic location: 5q22.2.
Variant type: single nucleotide variant.
Coding change: c.2958T>G on transcript NM_000038.6 (MANE Select); coding-DNA position 2958, T replaced by G.
Protein change: p.Tyr986Ter; replaces tyrosine 986 with a stop codon.
Molecular consequence: nonsense.
Genome position (GRCh38, 1-based): chr5:112,838,552, T>G. VCF-style: chr5-112838552-T-G. GRCh37 (hg19) VCF-style: chr5-112174249-T-G.
Other names: c.2958T>G, p.Tyr986Ter (NM_001127510.3, NM_001354895.2); c.2904T>G, p.Tyr968Ter (NM_001127511.3); c.3012T>G, p.Tyr1004Ter (NM_001354896.2); c.2988T>G, p.Tyr996Ter (NM_001354897.2); c.2883T>G, p.Tyr961Ter (NM_001354898.2); c.2874T>G, p.Tyr958Ter (NM_001354899.2); c.2835T>G, p.Tyr945Ter (NM_001354900.2); c.2781T>G, p.Tyr927Ter (NM_001354901.2); and 5 more; short protein forms Y860*, Y895*, Y961*, Y986*, Y996*, Y826*, Y968*, Y958*.
Identifiers: ClinVar variation 1453350 (VCV001453350.6), dbSNP rs746581330, ClinGen allele CA16027794.
Genomic context (GRCh38, chr5:112,838,552, plus strand): 5'-TGTCAGTAGTAGTGATGGTTATGGTAAAAGAGGTCAAATGAAACCCTCGATTGAATCCTA[T>G]TCTGAAGATGATGAAAGTAAGTTTTGCAGTTATGGTCAATACCCAGCCGACCTAGCCCAT-3'

ClinVar aggregate classification (germline): Pathogenic (1 of 4 stars; one submission).

Conditions:
Familial adenomatous polyposis 1 (FAP1). Also called: POLYPOSIS, ADENOMATOUS INTESTINAL; FAMILIAL ADENOMATOUS POLYPOSIS 1, ATTENUATED. Identifiers: MedGen C2713442, MONDO:0021056, OMIM 175100. Disease mechanism: loss of function.

Submission:

Labcorp Genetics (formerly Invitae), Labcorp
Classification: Pathogenic for Familial adenomatous polyposis 1. Last evaluated: 2023-07-07. Review status: criteria provided, single submitter. Criteria: Invitae Variant Classification Sherloc (09022015). Collection method: clinical testing. Allele origin: germline.
Comment: For these reasons, this variant has been classified as Pathogenic. A different truncation (p.Tyr2645Lysfs*14) that lies downstream of this variant has been determined to be pathogenic (PMID: 9824584, 1316610, 27081525, 8381579, 22135120, Invitae). This suggests that deletion of this region of the APC protein is causative of disease. This variant is expected to disrupt the EB1 and HDLG binding sites, which mediate interactions with the cytoskeleton (PMID: 15311282, 17293347). While functional studies have not been performed to directly test the effect on APC protein function, this suggests that disruption of the C-terminal portion of the protein is functionally important. ClinVar contains an entry for this variant (Variation ID: 1453350). This premature translational stop signal has been observed in individual(s) with familial adenomatous polyposis (PMID: 30897307). This variant is not present in population databases (gnomAD no frequency). This sequence change creates a premature translational stop signal (p.Tyr986*) in the APC gene. While this is not anticipated to result in nonsense mediated decay, it is expected to disrupt the last 1858 amino acid(s) of the APC protein.

Literature cited by the submitters: PubMed 9824584; PubMed 1316610; PubMed 27081525; PubMed 8381579; PubMed 22135120; PubMed 15311282; PubMed 17293347; PubMed 30897307.